The following is an entry in ClinVar:

ClinVar aggregate classification (germline): Uncertain significance (1 of 4 stars; one submission).

Conditions:
Charcot-Marie-Tooth disease type 4. Also called: Charcot-Marie-Tooth, Type 4; Charcot-Marie-Tooth disease, type IV. Identifiers: Orphanet 64749, MedGen C4082197, MONDO:0018995.

Submission:

Labcorp Genetics (formerly Invitae), Labcorp
Classification: Uncertain significance for Charcot-Marie-Tooth disease type 4. Last evaluated: 2021-11-13. Review status: criteria provided, single submitter. Criteria: Invitae Variant Classification Sherloc (09022015). Collection method: clinical testing. Allele origin: germline.
Comment: In summary, the available evidence is currently insufficient to determine the role of this variant in disease. Therefore, it has been classified as a Variant of Uncertain Significance. Algorithms developed to predict the effect of missense changes on protein structure and function are either unavailable or do not agree on the potential impact of this missense change (SIFT: "Deleterious"; PolyPhen-2: "Probably Damaging"; Align-GVGD: "Class C0"). This variant has not been reported in the literature in individuals affected with FIG4-related conditions. This variant is not present in population databases (gnomAD no frequency). This sequence change replaces phenylalanine, which is neutral and non-polar, with leucine, which is neutral and non-polar, at codon 254 of the FIG4 protein (p.Phe254Leu).

NM_014845.6(FIG4):c.760T>C (p.Phe254Leu)

Gene: FIG4 (FIG4 phosphoinositide 5-phosphatase; plus strand). Cytogenetic location: 6q21.
Variant type: single nucleotide variant.
Coding change: c.760T>C on transcript NM_014845.6 (MANE Select); coding-DNA position 760, T replaced by C.
Protein change: p.Phe254Leu; replaces phenylalanine 254 with leucine.
Molecular consequence: missense variant.
Genome position (GRCh38, 1-based): chr6:109,738,438, T>C. VCF-style: chr6-109738438-T-C. GRCh37 (hg19) VCF-style: chr6-110059641-T-C.
Other names: short protein forms F254L.
Identifiers: ClinVar variation 1478351 (VCV001478351.6), dbSNP rs2128386168, ClinGen allele CA365220743.